The following is an entry in ClinVar:

NM_000264.5(PTCH1):c.366G>T (p.Glu122Asp)

Gene: PTCH1 (patched 1; minus strand). Cytogenetic location: 9q22.32.
Variant type: single nucleotide variant.
Coding change: c.366G>T on transcript NM_000264.5 (MANE Select); coding-DNA position 366, G replaced by T.
Protein change: p.Glu122Asp; replaces glutamic acid 122 with aspartic acid.
Molecular consequence: missense variant. On other transcripts: 5 prime UTR variant (4), non-coding transcript variant (1).
Genome position (GRCh38, 1-based): chr9:95,506,435, C>A on the plus strand (G>T on the coding strand, the complement: PTCH1 is on the minus strand). VCF-style: chr9-95506435-C-A. GRCh37 (hg19) VCF-style: chr9-98268717-C-A.
Other names: c.168G>T, p.Glu56Asp (NM_001083602.3, NM_001354919.2); c.363G>T, p.Glu121Asp (NM_001083603.3); c.-88G>T (NM_001083604.3, NM_001083605.3, NM_001083606.3 and 1 more transcripts); c.366G>T, p.Glu122Asp (NM_001354918.2); short protein forms E121D, E56D, E122D.
Identifiers: ClinVar variation 3427250 (VCV003427250.1).
Genomic context (GRCh38, chr9:95,506,435, plus strand): 5'-GGGGGCGCGGGCGCCGCGGCGGGCGCTCTTACCTTCCACCCACAGCTCCTCCACGTTGGT[C>A]TCGAGGTTCGCTGCTTTTAATCCCACCGCGAAGGCCCCAAATATGAGGAGGCCCACAACC-3'
Protein context (NP_000255.2, residues 112-132): FAVGLKAANL[Glu122Asp]TNVEELWVEV

ClinVar aggregate classification (germline): Uncertain significance (1 of 4 stars; one submission).

Conditions:
Hereditary cancer-predisposing syndrome. Also called: Neoplastic Syndromes, Hereditary; Tumor predisposition; Hereditary Cancer Syndrome; Hereditary neoplastic syndrome. Identifiers: Orphanet 140162, MedGen C0027672, MeSH D009386, MONDO:0015356.

Submission:

Ambry Genetics
Classification: Uncertain significance for Hereditary cancer-predisposing syndrome. Last evaluated: 2024-07-29. Review status: criteria provided, single submitter. Criteria: Ambry Variant Classification Scheme 2023. Collection method: clinical testing. Allele origin: germline.
Comment: The p.E122D variant (also known as c.366G>T), located in coding exon 2 of the PTCH1 gene, results from a G to T substitution at nucleotide position 366. The glutamic acid at codon 122 is replaced by aspartic acid, an amino acid with highly similar properties. This amino acid position is conserved. In addition, the in silico prediction for this alteration is inconclusive. Based on the available evidence, the clinical significance of this variant remains unclear.